The following is an entry in ClinVar:

NR_003051.4(RMRP):n.194C>T

Gene: RMRP (RNA component of mitochondrial RNA processing endoribonuclease; minus strand). Cytogenetic location: 9p13.3.
Variant type: single nucleotide variant.
Genome position: GRCh38 VCF-style: chr9-35657826-G-A. GRCh37 (hg19) VCF-style: chr9-35657823-G-A.
Identifiers: ClinVar variation 966177 (VCV000966177.8), dbSNP rs1045976155, ClinGen allele CA192745573.

ClinVar aggregate classification (germline): Uncertain significance. Review status: criteria provided, multiple submitters, no conflicts (2 of 4 stars). 4 submissions from 4 submitters: Uncertain significance (3). 1 of the submissions does not count toward it. Last evaluated 2026-02-02.

Conditions:
Metaphyseal chondrodysplasia, McKusick type (CHH). Also called: Cartilage-Hair Hypoplasia (CHH); Cartilage-hair hypoplasia. Identifiers: Orphanet 175, MedGen C0220748, MONDO:0009595, OMIM 250250.
Anauxetic dysplasia 1 (ANXD1). Also called: Anauxetic Dysplasia (AD). Identifiers: Orphanet 93347, MedGen C4551965, MONDO:0054560, OMIM 607095.
Metaphyseal dysplasia without hypotrichosis. Also called: CARTILAGE-HAIR HYPOPLASIA VARIANT, SKELETAL MANIFESTATIONS ONLY; CARTILAGE-HAIR HYPOPLASIA-LIKE SKELETAL DYSPLASIA WITHOUT HYPOTRICHOSIS OR IMMUNODEFICIENCY; Metaphyseal Dysplasia without Hypotrichosis (MDWH). Identifiers: MedGen C1834821, MONDO:0009601, OMIM 250460.
Anauxetic dysplasia. Identifiers: Orphanet 93347, MedGen C1846796, MONDO:0011773.

Allele frequency attached by ClinVar (database versions not stated): gnomAD 0.00003 and 0.00006; TOPMed 0.00003; gnomAD exomes 0.00007.
gnomAD v4.1: 33 of 692,958 alleles (0.0048%); highest among the groups gnomAD compares: South Asian, 0.019%; no homozygotes.

Submissions (4):

Labcorp Genetics (formerly Invitae), Labcorp
Classification: Uncertain significance for Anauxetic dysplasia. Last evaluated: 2026-02-02. Review status: criteria provided, single submitter. Criteria: Invitae Variant Classification Sherloc (09022015). Collection method: clinical testing. Allele origin: germline.
Comment: This variant occurs in the RMRP gene, which encodes an RNA molecule that does not result in a protein product. This variant is present in population databases (no rsID available, gnomAD 0.02%). This variant has not been reported in the literature in individuals affected with RMRP-related conditions. ClinVar contains an entry for this variant (Variation ID: 966177). Experimental studies and prediction algorithms are not available or were not evaluated, and the functional significance of this variant is currently unknown. In summary, the available evidence is currently insufficient to determine the role of this variant in disease. Therefore, it has been classified as a Variant of Uncertain Significance.

Women's Health and Genetics/Laboratory Corporation of America, LabCorp
Classification: Uncertain significance. Last evaluated: 2024-11-18. Review status: criteria provided, single submitter. Criteria: LabCorp Variant Classification Summary - May 2015. Collection method: clinical testing. Allele origin: germline.
Comment: Variant summary: RMRP n.193C>T (also known as NC_000009.11: chr9:g.35657823G>A) alters a nucleotide in the non-coding RNA. The variant allele was found at a frequency of 6.9e-05 in 129824 control chromosomes. The available data on variant occurrences in the general population are insufficient to allow any conclusion about variant significance. To our knowledge, no occurrence of n.193C>T in individuals affected with Cartilage-Hair Hypoplasia and no experimental evidence demonstrating its impact on protein function have been reported. ClinVar contains an entry for this variant (Variation ID: 966177). Based on the evidence outlined above, the variant was classified as uncertain significance.

Fulgent Genetics
Classification: Uncertain significance for Metaphyseal chondrodysplasia, McKusick type; Metaphyseal dysplasia without hypotrichosis; Anauxetic dysplasia 1. Last evaluated: 2022-01-05. Review status: criteria provided, single submitter. Criteria: ACMG Guidelines, 2015. Collection method: clinical testing. Allele origin: unknown.

Natera, Inc.
Classification: Uncertain significance for Cartilage-hair hypoplasia. Last evaluated: 2020-03-24. Review status: no assertion criteria provided. Collection method: clinical testing. Allele origin: germline. Not counted in ClinVar's aggregate classification.